The following is an entry in ClinVar:

NM_032409.3(PINK1):c.805G>A (p.Ala269Thr)

Genes: PINK1 (PTEN induced kinase 1; plus strand), PINK1-AS (PINK1 antisense RNA; minus strand). Cytogenetic location: 1p36.12.
Variant type: single nucleotide variant.
Coding change: c.805G>A on transcript NM_032409.3 (MANE Select); coding-DNA position 805, G replaced by A.
Protein change: p.Ala269Thr; replaces alanine 269 with threonine.
Molecular consequence: missense variant.
Genome position (GRCh38, 1-based): chr1:20,644,518, G>A. VCF-style: chr1-20644518-G-A. GRCh37 (hg19) VCF-style: chr1-20971011-G-A.
Other names: short protein forms A269T.
Identifiers: ClinVar variation 1475039 (VCV001475039.6), dbSNP rs2053151793, ClinGen allele CA338832438.
Genomic context (GRCh38, chr1:20,644,518, plus strand): 5'-GCCTCATATGTTTGTCTCACTTGGCTGACTAGAAAATCCAAGAGAGGTCCCAAGCAACTA[G>A]CCCCTCACCCCAACATCATCCGGGTTCTCCGCGCCTTCACCTCTTCCGTGCCGCTGCTGC-3'
Protein context (NP_115785.1, residues 259-279): RKSKRGPKQL[Ala269Thr]PHPNIIRVLR

ClinVar aggregate classification (germline): Uncertain significance (1 of 4 stars; one submission).

Conditions:
Autosomal recessive early-onset Parkinson disease 6 (PARK6). Also called: PARKINSON DISEASE 6, EARLY-ONSET; PINK1 Type of Young-Onset Parkinson Disease; PINK1-Related Parkinson Disease; PARKINSON DISEASE 6, MODIFIER OF. Identifiers: Orphanet 2828, MedGen C1853833, MONDO:0011613, OMIM 605909.

Allele frequency attached by ClinVar (database versions not stated): gnomAD exomes below 0.00001; TOPMed below 0.00001; gnomAD 0.00001.
gnomAD v4.1: 3 of 1,614,062 alleles (0.00019%); highest among the groups gnomAD compares: Non-Finnish European, 0.00025%; no homozygotes.

Submission:

Labcorp Genetics (formerly Invitae), Labcorp
Classification: Uncertain significance for Autosomal recessive early-onset Parkinson disease 6. Last evaluated: 2023-07-07. Review status: criteria provided, single submitter. Criteria: Invitae Variant Classification Sherloc (09022015). Collection method: clinical testing. Allele origin: germline.
Comment: Advanced modeling of protein sequence and biophysical properties (such as structural, functional, and spatial information, amino acid conservation, physicochemical variation, residue mobility, and thermodynamic stability) performed at Invitae indicates that this missense variant is not expected to disrupt PINK1 protein function. In summary, the available evidence is currently insufficient to determine the role of this variant in disease. Therefore, it has been classified as a Variant of Uncertain Significance. This sequence change replaces alanine, which is neutral and non-polar, with threonine, which is neutral and polar, at codon 269 of the PINK1 protein (p.Ala269Thr). This variant is not present in population databases (gnomAD no frequency). This variant has not been reported in the literature in individuals affected with PINK1-related conditions. ClinVar contains an entry for this variant (Variation ID: 1475039).